The following is an entry in ClinVar:

NM_030665.4(RAI1):c.1594T>C (p.Cys532Arg)

Gene: RAI1 (retinoic acid induced 1; plus strand). Cytogenetic location: 17p11.2.
Variant type: single nucleotide variant.
Coding change: c.1594T>C on transcript NM_030665.4 (MANE Select); coding-DNA position 1594, T replaced by C.
Protein change: p.Cys532Arg; replaces cysteine 532 with arginine.
Molecular consequence: missense variant.
Genome position (GRCh38, 1-based): chr17:17,794,542, T>C. VCF-style: chr17-17794542-T-C. GRCh37 (hg19) VCF-style: chr17-17697856-T-C.
Other names: c.1594T>C (NM_030665.3); short protein forms C532R.
Identifiers: ClinVar variation 1628341 (VCV001628341.9), dbSNP rs370590304, ClinGen allele CA8418366.

ClinVar aggregate classification (germline): Likely benign. Review status: criteria provided, multiple submitters, no conflicts (2 of 4 stars). 2 submissions from 2 submitters: Likely benign (2). Last evaluated 2025-12-20.

Conditions:
RAI1-related disorder. Also called: RAI1-related condition.

Allele frequency attached by ClinVar (database versions not stated): gnomAD 0.00001; gnomAD exomes 0.00001 and 0.00002; ExAC 0.00002; TOPMed 0.00003; ESP Exome Variant Server 0.00015.
gnomAD v4.1: 24 of 1,612,956 alleles (0.0015%); highest among the groups gnomAD compares: Non-Finnish European, 0.0019%; no homozygotes.

Submissions (2):

Labcorp Genetics (formerly Invitae), Labcorp
Classification: Likely benign. Last evaluated: 2025-12-20. Review status: criteria provided, single submitter. Criteria: Invitae Variant Classification Sherloc (09022015). Collection method: clinical testing. Allele origin: germline.

PreventionGenetics, part of Exact Sciences
Classification: Likely benign for RAI1-related condition. Last evaluated: 2025-03-03. Review status: criteria provided, single submitter. Criteria: ACMG Guidelines, 2015. Collection method: clinical testing. Allele origin: germline.
Comment: This variant is classified as likely benign based on ACMG/AMP sequence variant interpretation guidelines (Richards et al. 2015 PMID: 25741868, with internal and published modifications).